The following is an entry in ClinVar:

ClinVar aggregate classification (germline): Uncertain significance (1 of 4 stars; one submission).

Conditions:
Charcot-Marie-Tooth disease dominant intermediate C (CMTDIC). Also called: CHARCOT-MARIE-TOOTH NEUROPATHY, DOMINANT INTERMEDIATE C. Identifiers: Orphanet 100045, MedGen C1842237, MONDO:0012012, OMIM 608323.

Submission:

Labcorp Genetics (formerly Invitae), Labcorp
Classification: Uncertain significance for Charcot-Marie-Tooth disease dominant intermediate C. Last evaluated: 2023-07-17. Review status: criteria provided, single submitter. Criteria: Invitae Variant Classification Sherloc (09022015). Collection method: clinical testing. Allele origin: germline.
Comment: This sequence change replaces lysine, which is basic and polar, with glutamic acid, which is acidic and polar, at codon 243 of the YARS protein (p.Lys243Glu). This variant is not present in population databases (gnomAD no frequency). This variant has not been reported in the literature in individuals affected with YARS-related conditions. ClinVar contains an entry for this variant (Variation ID: 2005405). Advanced modeling of protein sequence and biophysical properties (such as structural, functional, and spatial information, amino acid conservation, physicochemical variation, residue mobility, and thermodynamic stability) performed at Invitae indicates that this missense variant is expected to disrupt YARS protein function. In summary, the available evidence is currently insufficient to determine the role of this variant in disease. Therefore, it has been classified as a Variant of Uncertain Significance.

NM_003680.4(YARS1):c.727A>G (p.Lys243Glu)

Genes: YARS1 (tyrosyl-tRNA synthetase 1; minus strand), LOC126805688 (BRD4-independent group 4 enhancer GRCh37_chr1:33251929-33253128; plus strand). Cytogenetic location: 1p35.1.
Variant type: single nucleotide variant.
Coding change: c.727A>G on transcript NM_003680.4 (MANE Select); coding-DNA position 727, A replaced by G.
Protein change: p.Lys243Glu; replaces lysine 243 with glutamic acid.
Molecular consequence: missense variant.
Genome position (GRCh38, 1-based): chr1:32,787,033, T>C on the plus strand (A>G on the coding strand, the complement: YARS1 is on the minus strand). VCF-style: chr1-32787033-T-C. GRCh37 (hg19) VCF-style: chr1-33252634-T-C.
Other names: short protein forms K243E.
Identifiers: ClinVar variation 2005405 (VCV002005405.4), dbSNP rs2523373325, ClinGen allele CA339685302.